The following is an entry in ClinVar:

NM_002055.5(GFAP):c.423G>T (p.Arg141Ser)

Gene: GFAP (glial fibrillary acidic protein; minus strand). Cytogenetic location: 17q21.31.
Variant type: single nucleotide variant.
Coding change: c.423G>T on transcript NM_002055.5 (MANE Select); coding-DNA position 423, G replaced by T.
Protein change: p.Arg141Ser; replaces arginine 141 with serine.
Molecular consequence: missense variant.
Genome position (GRCh38, 1-based): chr17:44,915,064, C>A on the plus strand (G>T on the coding strand, the complement: GFAP is on the minus strand). VCF-style: chr17-44915064-C-A. GRCh37 (hg19) VCF-style: chr17-42992432-C-A.
Other names: c.423G>T, p.Arg141Ser (NM_001131019.3, NM_001242376.3, NM_001363846.2); short protein forms R141S.
Identifiers: ClinVar variation 2846397 (VCV002846397.3), dbSNP rs2508948516, ClinGen allele CA399848058.
Genomic context (GRCh38, chr17:44,915,064, plus strand): 5'-CCCTTCCCCATCCCCTCCTCACTTCTGCCTCACAGTGGCCAGGTCCTGTGCCAGATTGTC[C>A]CTCTCAACCTCCAGCCGGGCGCTGTTGGCGGTGAGTTGATCGAGCCGCAGCCGCAGCTCT-3'
Protein context (NP_002046.1, residues 131-151): TANSARLEVE[Arg141Ser]DNLAQDLATV

ClinVar aggregate classification (germline): Uncertain significance (1 of 4 stars; one submission).

Submission:

Labcorp Genetics (formerly Invitae), Labcorp
Classification: Uncertain significance. Last evaluated: 2023-03-17. Review status: criteria provided, single submitter. Criteria: Invitae Variant Classification Sherloc (09022015). Collection method: clinical testing. Allele origin: germline.
Comment: In summary, the available evidence is currently insufficient to determine the role of this variant in disease. Therefore, it has been classified as a Variant of Uncertain Significance. Advanced modeling of protein sequence and biophysical properties (such as structural, functional, and spatial information, amino acid conservation, physicochemical variation, residue mobility, and thermodynamic stability) has been performed at Invitae for this missense variant, however the output from this modeling did not meet the statistical confidence thresholds required to predict the impact of this variant on GFAP protein function. This variant has not been reported in the literature in individuals affected with GFAP-related conditions. This variant is not present in population databases (gnomAD no frequency). This sequence change replaces arginine, which is basic and polar, with serine, which is neutral and polar, at codon 141 of the GFAP protein (p.Arg141Ser).